The following is an entry in ClinVar:

NM_005529.7(HSPG2):c.9686C>G (p.Ala3229Gly)

Gene: HSPG2 (heparan sulfate proteoglycan 2; minus strand). Cytogenetic location: 1p36.12.
Variant type: single nucleotide variant.
Coding change: c.9686C>G on transcript NM_005529.7 (MANE Select); coding-DNA position 9686, C replaced by G.
Protein change: p.Ala3229Gly; replaces alanine 3229 with glycine.
Molecular consequence: missense variant.
Genome position (GRCh38, 1-based): chr1:21,839,845, G>C on the plus strand (C>G on the coding strand, the complement: HSPG2 is on the minus strand). VCF-style: chr1-21839845-G-C. GRCh37 (hg19) VCF-style: chr1-22166338-G-C.
Other names: c.9689C>G, p.Ala3230Gly (NM_001291860.2); short protein forms A3229G, A3230G.
Identifiers: ClinVar variation 1506485 (VCV001506485.8), dbSNP rs2152703842, ClinGen allele CA338913267.
Genomic context (GRCh38, chr1:21,839,845, plus strand): 5'-TGCCCTGCCAGCCCTATGTGCCAGCCCTTGGTCACACCTGTGGCTGAGCAGCGCAAGGTG[G>C]CCGTGTGTCCAGCCTCCACAGTCAGCTCAGCTTCTTCAGCTTGGACCTGAGGGGCCCCTG-3'
Protein context (NP_005520.4, residues 3219-3239): AELTVEAGHT[Ala3229Gly]TLRCSATGSP

ClinVar aggregate classification (germline): Uncertain significance (1 of 4 stars; one submission).

Submission:

Labcorp Genetics (formerly Invitae), Labcorp
Classification: Uncertain significance. Last evaluated: 2021-05-03. Review status: criteria provided, single submitter. Criteria: Invitae Variant Classification Sherloc (09022015). Collection method: clinical testing. Allele origin: germline.
Comment: This sequence change replaces alanine with glycine at codon 3229 of the HSPG2 protein (p.Ala3229Gly). The alanine residue is highly conserved and there is a small physicochemical difference between alanine and glycine. This variant is not present in population databases (ExAC no frequency). This variant has not been reported in the literature in individuals with HSPG2-related conditions. Algorithms developed to predict the effect of missense changes on protein structure and function are either unavailable or do not agree on the potential impact of this missense change (SIFT: "Tolerated"; PolyPhen-2: "Probably Damaging"; Align-GVGD: "Class C0"). In summary, the available evidence is currently insufficient to determine the role of this variant in disease. Therefore, it has been classified as a Variant of Uncertain Significance.